The following is an entry in ClinVar:

ClinVar aggregate classification (germline): Uncertain significance (1 of 4 stars; one submission).

Submission:

GeneDx
Classification: Uncertain significance. Last evaluated: 2025-03-24. Review status: criteria provided, single submitter. Criteria: GeneDx Variant Classification Process June 2021. Collection method: clinical testing. Allele origin: germline. Affected: yes.
Comment: Not observed at significant frequency in large population cohorts (gnomAD); In silico analysis supports that this missense variant has a deleterious effect on protein structure/function; Has not been previously published as pathogenic or benign to our knowledge

NM_001458.5(FLNC):c.7012T>C (p.Trp2338Arg)

Genes: FLNC-AS1 (FLNC antisense RNA 1; minus strand), FLNC (filamin C; plus strand). Cytogenetic location: 7q32.1.
Variant type: single nucleotide variant.
Coding change: c.7012T>C on transcript NM_001458.5 (MANE Select); coding-DNA position 7012, T replaced by C.
Protein change: p.Trp2338Arg; replaces tryptophan 2338 with arginine.
Molecular consequence: missense variant.
Genome position (GRCh38, 1-based): chr7:128,854,789, T>C. VCF-style: chr7-128854789-T-C. GRCh37 (hg19) VCF-style: chr7-128494843-T-C.
Other names: c.6913T>C, p.Trp2305Arg (NM_001127487.2); short protein forms W2338R, W2305R.
Identifiers: ClinVar variation 4088136 (VCV004088136.1).